The following is an entry in ClinVar:

NM_177438.3(DICER1):c.2483C>T (p.Ser828Phe)

Gene: DICER1 (dicer 1, ribonuclease III; minus strand). Cytogenetic location: 14q32.13.
Variant type: single nucleotide variant.
Coding change: c.2483C>T on transcript NM_177438.3 (MANE Select); coding-DNA position 2483, C replaced by T.
Protein change: p.Ser828Phe; replaces serine 828 with phenylalanine.
Molecular consequence: missense variant. On other transcripts: non-coding transcript variant (6).
Genome position (GRCh38, 1-based): chr14:95,108,047, G>A on the plus strand (C>T on the coding strand, the complement: DICER1 is on the minus strand). VCF-style: chr14-95108047-G-A. GRCh37 (hg19) VCF-style: chr14-95574384-G-A.
Other names: c.2483C>T, p.Ser828Phe (NM_001395695.1, NM_030621.4, NM_001195573.1 and 12 more transcripts); c.2078C>T, p.Ser693Phe (NM_001395696.1, NM_001395687.1, NM_001395688.1 and 2 more transcripts); c.800C>T, p.Ser267Phe (NM_001395697.1); c.2201C>T, p.Ser734Phe (NM_001395686.1); c.1916C>T, p.Ser639Phe (NM_001395691.1); short protein forms S639F, S828F, S693F, S734F, S267F.
Identifiers: ClinVar variation 5035265 (VCV005035265.1).

ClinVar aggregate classification (germline): Uncertain significance (1 of 4 stars; one submission).

Conditions:
Hereditary cancer-predisposing syndrome. Also called: Hereditary Cancer Syndrome; Neoplastic Syndromes, Hereditary; Tumor predisposition; Hereditary neoplastic syndrome. Identifiers: Orphanet 140162, MedGen C0027672, MeSH D009386, MONDO:0015356.

gnomAD v4.1: 2 of 1,613,930 alleles (0.00012%); highest among the groups gnomAD compares: Non-Finnish European, 0.000085%; no homozygotes.

Submission:

Ambry Genetics
Classification: Uncertain significance for Hereditary cancer-predisposing syndrome. Last evaluated: 2026-07-07. Review status: criteria provided, single submitter. Criteria: Ambry Variant Classification Scheme 2023. Collection method: clinical testing. Allele origin: germline.
Comment: The p.S828F variant (also known as c.2483C>T), located in coding exon 15 of the DICER1 gene, results from a C to T substitution at nucleotide position 2483. The serine at codon 828 is replaced by phenylalanine, an amino acid with highly dissimilar properties. This amino acid position is conserved. In addition, the in silico prediction for this alteration is inconclusive. Based on the available evidence, the clinical significance of this variant remains unclear.